The following is an entry in ClinVar:

ClinVar aggregate classification (germline): Uncertain significance (1 of 4 stars; one submission).

gnomAD v4.1: 12 of 1,614,152 alleles (0.00074%); highest among the groups gnomAD compares: South Asian, 0.012%; no homozygotes.

Submission:

Labcorp Genetics (formerly Invitae), Labcorp
Classification: Uncertain significance. Last evaluated: 2023-05-24. Review status: criteria provided, single submitter. Criteria: Invitae Variant Classification Sherloc (09022015). Collection method: clinical testing. Allele origin: germline.
Comment: This sequence change replaces aspartic acid, which is acidic and polar, with histidine, which is basic and polar, at codon 198 of the CAPN5 protein (p.Asp198His). This variant is present in population databases (rs782492041, gnomAD 0.02%). This variant has not been reported in the literature in individuals affected with CAPN5-related conditions. Advanced modeling of protein sequence and biophysical properties (such as structural, functional, and spatial information, amino acid conservation, physicochemical variation, residue mobility, and thermodynamic stability) performed at Invitae indicates that this missense variant is not expected to disrupt CAPN5 protein function. In summary, the available evidence is currently insufficient to determine the role of this variant in disease. Therefore, it has been classified as a Variant of Uncertain Significance.

NM_004055.5(CAPN5):c.592G>C (p.Asp198His)

Gene: CAPN5 (calpain 5; plus strand). Cytogenetic location: 11q13.5.
Variant type: single nucleotide variant.
Coding change: c.592G>C on transcript NM_004055.5 (MANE Select); coding-DNA position 592, G replaced by C.
Protein change: p.Asp198His; replaces aspartic acid 198 with histidine.
Molecular consequence: missense variant.
Genome position (GRCh38, 1-based): chr11:77,114,327, G>C. VCF-style: chr11-77114327-G-C. GRCh37 (hg19) VCF-style: chr11-76825373-G-C.
Other names: c.712G>C, p.Asp238His (NM_001425321.1); c.592G>C, p.Asp198His (NM_001425322.1); c.460G>C, p.Asp154His (NM_001425323.1); short protein forms D198H, D238H, D154H.
Identifiers: ClinVar variation 2872728 (VCV002872728.3), dbSNP rs782492041, ClinGen allele CA6196483.